The following is an entry in ClinVar:

NM_001130438.3(SPTAN1):c.943T>C (p.Cys315Arg)

Gene: SPTAN1 (spectrin alpha, non-erythrocytic 1; plus strand). Cytogenetic location: 9q34.11.
Variant type: single nucleotide variant.
Coding change: c.943T>C on transcript NM_001130438.3 (MANE Select); coding-DNA position 943, T replaced by C.
Protein change: p.Cys315Arg; replaces cysteine 315 with arginine.
Molecular consequence: missense variant.
Genome position (GRCh38, 1-based): chr9:128,577,364, T>C. VCF-style: chr9-128577364-T-C. GRCh37 (hg19) VCF-style: chr9-131339643-T-C.
Other names: p.C315R:TGT>CGT; c.943T>C, p.Cys315Arg (NM_001195532.2, NM_001363759.2, NM_001363765.2 and 1 more transcripts); short protein forms C315R.
Identifiers: ClinVar variation 207260 (VCV000207260.20), dbSNP rs776064912, ClinGen allele CA318560.
Genomic context (GRCh38, chr9:128,577,364, plus strand): 5'-TAAGTTACCAAGGGTCAGGAGAATAGTTCTGACGGAGTTCATTTCTAGGTCAAAGCCCTG[T>C]GTGCTGAGGCTGACCGCCTGCAACAGTCCCACCCTCTGAGTGCAACACAGATTCAAGTGA-3'
Protein context (NP_001123910.1, residues 305-325): AALEDKVKAL[Cys315Arg]AEADRLQQSH

ClinVar aggregate classification (germline): Benign/Likely benign. Review status: criteria provided, multiple submitters, no conflicts (2 of 4 stars). 4 submissions from 4 submitters: Benign (2); Likely benign (2). Last evaluated 2025-10-13.

Conditions:
Developmental and epileptic encephalopathy, 5 (DEE5). Identifiers: Orphanet 3451, MedGen C3150731, MONDO:0013277, OMIM 613477.
Early-infantile DEE. Also called: Ohtahara syndrome; Early infantile epileptic encephalopathy; Early infantile epileptic encephalopathy with suppression bursts. Identifiers: Orphanet 1934, MedGen C0393706, MONDO:0800491.
Inborn genetic diseases. Identifiers: MedGen C0950123, MeSH D030342.

Allele frequency attached by ClinVar (database versions not stated): ExAC 0.00001; gnomAD exomes 0.00002; TOPMed 0.00004; gnomAD 0.00005.
gnomAD v4.1: 95 of 1,614,086 alleles (0.0059%); highest among the groups gnomAD compares: Non-Finnish European, 0.0078%; no homozygotes.

Submissions (4):

Labcorp Genetics (formerly Invitae), Labcorp
Classification: Benign for Early-infantile DEE. Last evaluated: 2025-10-13. Review status: criteria provided, single submitter. Criteria: Invitae Variant Classification Sherloc (09022015). Collection method: clinical testing. Allele origin: germline.

Ambry Genetics
Classification: Likely benign for Inborn genetic diseases. Last evaluated: 2021-08-16. Review status: criteria provided, single submitter. Criteria: Ambry Variant Classification Scheme 2023. Collection method: clinical testing. Allele origin: germline.

Genome-Nilou Lab
Classification: Benign for Developmental and epileptic encephalopathy, 5. Last evaluated: 2021-07-15. Review status: criteria provided, single submitter. Criteria: ACMG Guidelines, 2015. Collection method: clinical testing. Allele origin: germline. Affected: no.

GeneDx
Classification: Likely benign. Last evaluated: 2015-09-29. Review status: criteria provided, single submitter. Criteria: GeneDx Variant Classification (06012015). Collection method: clinical testing. Allele origin: germline. Affected: yes.
Comment: This variant is considered likely benign or benign based on one or more of the following criteria: it is a conservative change, it occurs at a poorly conserved position in the protein, it is predicted to be benign by multiple in silico algorithms, and/or has population frequency not consistent with disease.